The following is an entry in ClinVar:

NM_012197.4(RABGAP1):c.2677C>T (p.Gln893Ter)

Gene: RABGAP1 (RAB GTPase activating protein 1; plus strand). Cytogenetic location: 9q33.2.
Variant type: single nucleotide variant.
Coding change: c.2677C>T on transcript NM_012197.4 (MANE Select); coding-DNA position 2677, C replaced by T.
Protein change: p.Gln893Ter; replaces glutamine 893 with a stop codon.
Molecular consequence: nonsense.
Genome position (GRCh38, 1-based): chr9:123,097,789, C>T. VCF-style: chr9-123097789-C-T. GRCh37 (hg19) VCF-style: chr9-125860068-C-T.
Other names: short protein forms Q893*.
Identifiers: ClinVar variation 3632985 (VCV003632985.2).

ClinVar aggregate classification (germline): Pathogenic (1 of 4 stars; one submission).

gnomAD v4.1: 1 of 1,613,900 alleles (0.000062%); highest among the groups gnomAD compares: Non-Finnish European, 0.000085%; no homozygotes.

Submission:

Labcorp Genetics (formerly Invitae), Labcorp
Classification: Pathogenic. Last evaluated: 2024-01-19. Review status: criteria provided, single submitter. Criteria: Invitae Variant Classification Sherloc (09022015). Collection method: clinical testing. Allele origin: germline.
Comment: This sequence change creates a premature translational stop signal (p.Gln893*) in the RABGAP1 gene. It is expected to result in an absent or disrupted protein product. Loss-of-function variants in RABGAP1 are known to be pathogenic (PMID: 36083289). This variant is not present in population databases (gnomAD no frequency). This variant has not been reported in the literature in individuals affected with RABGAP1-related conditions. For these reasons, this variant has been classified as Pathogenic.

Literature cited by the submitters: PubMed 36083289.